The following is an entry in ClinVar:

NM_001365276.2(TNXB):c.9757+7G>T

Gene: TNXB (tenascin XB; minus strand). Cytogenetic location: 6p21.33.
Variant type: single nucleotide variant.
Coding change: c.9757+7G>T on transcript NM_001365276.2 (MANE Select); 7 bases into the intron after coding-DNA position 9757, G replaced by T.
Molecular consequence: intron variant.
Genome position (GRCh38, 1-based): chr6:32,049,263, C>A on the plus strand (G>T on the coding strand, the complement: TNXB is on the minus strand). VCF-style: chr6-32049263-C-A. GRCh37 (hg19) VCF-style: chr6-32017040-C-A.
Other names: c.9751+7G>T (NM_019105.8, NM_019105.6).
Identifiers: ClinVar variation 1879651 (VCV001879651.30), dbSNP rs766045012, ClinGen allele CA823931263.
Genomic context (GRCh38, chr6:32,049,263, plus strand): 5'-TCCAAAGGAGAAACACAAGGGGGCTGCAGAGGTAAACCTGGGGACGAGGGCCTGTCCCCC[C>A]ACTCACCCGTGATGCCCACGGTGGACACTGGGCCCACGCGCTGCCCCTCGTGGAGGCCGT-3'

ClinVar aggregate classification (germline): Conflicting classifications of pathogenicity. Review status: criteria provided, conflicting classifications (1 of 4 stars). 2 submissions from 2 submitters: Uncertain significance (1); Likely benign (1). Last evaluated 2026-05-25.

Conditions:
TNXB-related disorder. Also called: TNXB-related condition.

gnomAD v4.1: 5 of 1,606,392 alleles (0.00031%); highest among the groups gnomAD compares: South Asian, 0.0011%; no homozygotes.

Submissions (2):

PreventionGenetics, part of Exact Sciences
Classification: Likely benign for TNXB-related condition. Last evaluated: 2026-05-25. Review status: criteria provided, single submitter. Criteria: ACMG Guidelines, 2015. Collection method: clinical testing. Allele origin: germline.
Comment: This variant is classified as likely benign based on ACMG/AMP sequence variant interpretation guidelines (Richards et al. 2015 PMID: 25741868, with internal and published modifications).

CeGaT Center for Human Genetics Tuebingen
Classification: Uncertain significance. Last evaluated: 2022-12-01. Review status: criteria provided, single submitter. Criteria: CeGaT Center For Human Genetics Tuebingen Variant Classification Criteria Version 2. Collection method: clinical testing. Allele origin: germline. Affected: yes. Observed: 1 variant allele.
Comment: TNXB: PM2, BP4